The following is an entry in ClinVar:

NM_003091.4(SNRPB):c.298G>A (p.Ala100Thr)

Gene: SNRPB (small nuclear ribonucleoprotein polypeptides B and B1; minus strand). Cytogenetic location: 20p13.
Variant type: single nucleotide variant.
Coding change: c.298G>A on transcript NM_003091.4 (MANE Select); coding-DNA position 298, G replaced by A.
Protein change: p.Ala100Thr; replaces alanine 100 with threonine.
Molecular consequence: missense variant.
Genome position (GRCh38, 1-based): chr20:2,463,869, C>T on the plus strand (G>A on the coding strand, the complement: SNRPB is on the minus strand). VCF-style: chr20-2463869-C-T. GRCh37 (hg19) VCF-style: chr20-2444515-C-T.
Other names: c.298G>A, p.Ala100Thr (NM_198216.2); short protein forms A100T.
Identifiers: ClinVar variation 4686423 (VCV004686423.1).

ClinVar aggregate classification (germline): Uncertain significance (1 of 4 stars; one submission).

Submission:

GeneDx
Classification: Uncertain significance. Last evaluated: 2025-07-18. Review status: criteria provided, single submitter. Criteria: GeneDx Variant Classification Process June 2021. Collection method: clinical testing. Allele origin: germline. Affected: yes.
Comment: Not observed at significant frequency in large population cohorts (gnomAD); In silico analysis suggests that this missense variant does not alter protein structure/function; Has not been previously published as pathogenic or benign to our knowledge